The following is an entry in ClinVar:

ClinVar aggregate classification (germline): Uncertain significance (1 of 4 stars; one submission).

Conditions:
Congenital glucose-galactose malabsorption (GGM). Also called: DIARRHEA 16; MONOSACCHARIDE MALABSORPTION. Identifiers: Orphanet 35710, MedGen C0268186, MONDO:0011731, OMIM 606824.

Allele frequency attached by ClinVar (database versions not stated): gnomAD exomes below 0.00001; TOPMed 0.00001.
gnomAD v4.1: 3 of 1,614,162 alleles (0.00019%); highest among the groups gnomAD compares: African/African-American, 0.0027%; no homozygotes.

Submission:

Labcorp Genetics (formerly Invitae), Labcorp
Classification: Uncertain significance for Congenital glucose-galactose malabsorption. Last evaluated: 2023-02-13. Review status: criteria provided, single submitter. Criteria: Invitae Variant Classification Sherloc (09022015). Collection method: clinical testing. Allele origin: germline.
Comment: This variant is not present in population databases (gnomAD no frequency). This sequence change replaces methionine, which is neutral and non-polar, with lysine, which is basic and polar, at codon 630 of the SLC5A1 protein (p.Met630Lys). This variant has not been reported in the literature in individuals affected with SLC5A1-related conditions. Algorithms developed to predict the effect of missense changes on protein structure and function (SIFT, PolyPhen-2, Align-GVGD) all suggest that this variant is likely to be tolerated. In summary, the available evidence is currently insufficient to determine the role of this variant in disease. Therefore, it has been classified as a Variant of Uncertain Significance.

NM_000343.4(SLC5A1):c.1889T>A (p.Met630Lys)

Gene: SLC5A1 (solute carrier family 5 member 1; plus strand). Cytogenetic location: 22q12.3.
Variant type: single nucleotide variant.
Coding change: c.1889T>A on transcript NM_000343.4 (MANE Select); coding-DNA position 1889, T replaced by A.
Protein change: p.Met630Lys; replaces methionine 630 with lysine.
Molecular consequence: missense variant.
Genome position (GRCh38, 1-based): chr22:32,110,107, T>A. VCF-style: chr22-32110107-T-A. GRCh37 (hg19) VCF-style: chr22-32506094-T-A.
Other names: c.1508T>A, p.Met503Lys (NM_001256314.2); short protein forms M503K, M630K.
Identifiers: ClinVar variation 2722484 (VCV002722484.1), dbSNP rs2094053624, ClinGen allele CA411315723.